The following is an entry in ClinVar:

NM_014874.4(MFN2):c.165C>T (p.Thr55=)

Gene: MFN2 (mitofusin 2; plus strand). Cytogenetic location: 1p36.22.
Variant type: single nucleotide variant.
Coding change: c.165C>T on transcript NM_014874.4 (MANE Select); coding-DNA position 165, C replaced by T.
Protein change: p.Thr55=; no amino-acid change (threonine 55 retained).
Molecular consequence: synonymous variant.
Genome position (GRCh38, 1-based): chr1:11,989,333, C>T. VCF-style: chr1-11989333-C-T. GRCh37 (hg19) VCF-style: chr1-12049390-C-T.
Other names: p.T55T:ACC>ACT; c.165C>T, p.Thr55= (NM_001127660.2).
Identifiers: ClinVar variation 138220 (VCV000138220.32), dbSNP rs77458527, ClinGen allele CA292085.

ClinVar aggregate classification (germline): Benign/Likely benign. Review status: criteria provided, multiple submitters, no conflicts (2 of 4 stars). 9 submissions from 8 submitters: Benign (5); Likely benign (2). 2 of the submissions do not count toward it. Last evaluated 2026-02-02.

Conditions:
Charcot-Marie-Tooth disease type 2A2. Also called: CHARCOT-MARIE-TOOTH DISEASE, NEURONAL, TYPE 2A2; HEREDITARY MOTOR AND SENSORY NEUROPATHY IIA2; HMSN IIA2; Charcot-Marie-Tooth Neuropathy Type 2A2; CHARCOT-MARIE-TOOTH DISEASE, AXONAL, AUTOSOMAL DOMINANT, TYPE 2A2A; CHARCOT-MARIE-TOOTH DISEASE, AXONAL, TYPE 2A2. Identifiers: Orphanet 99947, MedGen C4721887, MONDO:0012231, OMIM 609260.
Charcot-Marie-Tooth disease, axonal, autosomal recessive, type 2a2b;. Also called: Charcot-Marie-Tooth disease, axonal, autosomal recessive, type 2A2B; Charcot-Marie-Tooth disease, axonal, type 2A2B. Identifiers: MedGen C4310725, MONDO:0014906, OMIM 617087.
Neuropathy, hereditary motor and sensory, type 6A (HMSN6A). Also called: NEUROPATHY, HEREDITARY MOTOR AND SENSORY, TYPE VIA; NEUROPATHY, HEREDITARY MOTOR AND SENSORY, TYPE VIA, WITH OPTIC ATROPHY; HMSN VIA; CHARCOT-MARIE-TOOTH DISEASE, TYPE 6A. Identifiers: MedGen CN305336, MONDO:0011002, OMIM 601152.
Charcot-Marie-Tooth disease type 2. Also called: Charcot-Marie-Tooth type 2. Identifiers: Orphanet 64746, MedGen C0270914, MONDO:0018993.
Charcot-Marie-Tooth disease. Also called: Charcot-Marie-Tooth Neuropathy; Charcot-Marie-Tooth Hereditary Neuropathy. Identifiers: Orphanet 166, MedGen C0007959, MONDO:0015626.
Hereditary motor and sensory neuropathy with optic atrophy. Also called: PERIPHERAL NEUROPATHY AND OPTIC ATROPHY; CHARCOT-MARIE-TOOTH DISEASE, TYPE 6. Identifiers: Orphanet 90120, MedGen C0393807, MONDO:0019551.

Allele frequency attached by ClinVar (database versions not stated): TOPMed 0.00209; gnomAD exomes 0.00509 and 0.00186; ESP Exome Variant Server 0.00008; gnomAD 0.00106 and 0.00185; ExAC 0.00491; 1000 Genomes Project 30x 0.01077; 1000 Genomes Project 0.01238.
gnomAD v4.1: 3,060 of 1,614,010 alleles (0.19%); highest among the groups gnomAD compares: East Asian, 3.6%; 57 homozygotes.

Submissions (9):

Labcorp Genetics (formerly Invitae), Labcorp
Classification: Benign for Charcot-Marie-Tooth disease type 2. Last evaluated: 2026-02-02. Review status: criteria provided, single submitter. Criteria: Invitae Variant Classification Sherloc (09022015). Collection method: clinical testing. Allele origin: germline.

ARUP Laboratories, Molecular Genetics and Genomics, ARUP Laboratories
Classification: Benign. Last evaluated: 2024-11-21. Review status: criteria provided, single submitter. Criteria: ARUP Molecular Germline Variant Investigation Process 2024. Collection method: clinical testing. Allele origin: germline.

Fulgent Genetics
Classification: Likely benign for Neuropathy, hereditary motor and sensory, type 6A; Charcot-Marie-Tooth disease type 2A2; Charcot-Marie-Tooth disease, axonal, autosomal recessive, type 2a2b;. Last evaluated: 2021-08-10. Review status: criteria provided, single submitter. Criteria: ACMG Guidelines, 2015. Collection method: clinical testing. Allele origin: unknown.

Illumina Laboratory Services, Illumina
Classification: Benign for Neuropathy, hereditary motor and sensory, type 6A. Last evaluated: 2018-01-13. Review status: criteria provided, single submitter. Criteria: ICSL Variant Classification Criteria 13 December 2019. Collection method: clinical testing. Allele origin: germline.
Comment: This variant was observed in the ICSL laboratory as part of a predisposition screen in an ostensibly healthy population. It had not been previously curated by ICSL or reported in the Human Gene Mutation Database (HGMD: prior to June 1st, 2018), and was therefore a candidate for classification through an automated scoring system. Utilizing variant allele frequency, disease prevalence and penetrance estimates, and inheritance mode, an automated score was calculated to assess if this variant is too frequent to cause the disease. Based on the score and internal cut-off values, a variant classified as benign is not then subjected to further curation. The score for this variant resulted in a classification of benign for this disease.

Illumina Laboratory Services, Illumina
Classification: Benign for Charcot-Marie-Tooth disease, type 2. Last evaluated: 2018-01-13. Review status: criteria provided, single submitter. Criteria: ICSL Variant Classification Criteria 13 December 2019. Collection method: clinical testing. Allele origin: germline.
Comment: the same text as in the submission from Illumina Laboratory Services, Illumina above.

GeneDx
Classification: Benign. Last evaluated: 2014-05-16. Review status: criteria provided, single submitter. Criteria: GeneDx Variant Classification (06012015). Collection method: clinical testing. Allele origin: germline. Affected: yes.
Comment: This variant is considered likely benign or benign based on one or more of the following criteria: it is a conservative change, it occurs at a poorly conserved position in the protein, it is predicted to be benign by multiple in silico algorithms, and/or has population frequency not consistent with disease.

Molecular Genetics Laboratory, London Health Sciences Centre
Classification: Likely benign for Charcot-Marie-Tooth disease. Review status: criteria provided, single submitter. Criteria: ACMG Guidelines, 2015. Collection method: clinical testing. Allele origin: germline. Affected: yes.

Clinical Genetics DNA and cytogenetics Diagnostics Lab, Erasmus MC, Erasmus Medical Center
Classification: Likely benign. Review status: no assertion criteria provided. Collection method: clinical testing. Allele origin: germline. Affected: yes. Study: VKGL Data-share Consensus. Not counted in ClinVar's aggregate classification.

Clinical Genetics, Academic Medical Center
Classification: Benign. Review status: no assertion criteria provided. Collection method: clinical testing. Allele origin: germline. Affected: yes. Study: VKGL Data-share Consensus. Not counted in ClinVar's aggregate classification.